The following is an entry in ClinVar:

NM_032656.4(DHX37):c.2955C>G (p.Ile985Met)

Gene: DHX37 (DEAH-box helicase 37; minus strand). Cytogenetic location: 12q24.31.
Variant type: single nucleotide variant.
Coding change: c.2955C>G on transcript NM_032656.4 (MANE Select); coding-DNA position 2955, C replaced by G.
Protein change: p.Ile985Met; replaces isoleucine 985 with methionine.
Molecular consequence: missense variant.
Genome position (GRCh38, 1-based): chr12:124,950,718, G>C on the plus strand (C>G on the coding strand, the complement: DHX37 is on the minus strand). VCF-style: chr12-124950718-G-C. GRCh37 (hg19) VCF-style: chr12-125435264-G-C.
Other names: c.2955C>G (NM_032656.3); short protein forms I985M.
Identifiers: ClinVar variation 1972311 (VCV001972311.6), dbSNP rs61757600, ClinGen allele CA6871435.
Genomic context (GRCh38, chr12:124,950,718, plus strand): 5'-GGGGACAAGGGGCTGTCCGCAGGCCTCGGCACCTTTCATGTACATCTTAGTGGTCTCCAC[G>C]ATTTCCTGGTAGACCACAAACTCGGGGAGCTCTTTGAAAAGGACGGAGCTGGGGTGGATG-3'
Protein context (NP_116045.2, residues 975-995): ELPEFVVYQE[Ile985Met]VETTKMYMKG

ClinVar aggregate classification (germline): Uncertain significance. Review status: criteria provided, multiple submitters, no conflicts (2 of 4 stars). 2 submissions from 2 submitters: Uncertain significance (2). Last evaluated 2025-08-25.

Conditions:
Inborn genetic diseases. Identifiers: MedGen C0950123, MeSH D030342.

Allele frequency attached by ClinVar (database versions not stated): ExAC 0.00001; gnomAD 0.00002.
gnomAD v4.1: 24 of 1,611,418 alleles (0.0015%); highest among the groups gnomAD compares: African/African-American, 0.004%; no homozygotes.

Submissions (2):

Ambry Genetics
Classification: Uncertain significance for Inborn genetic diseases. Last evaluated: 2025-08-25. Review status: criteria provided, single submitter. Criteria: Ambry Variant Classification Scheme 2023. Collection method: clinical testing. Allele origin: germline.

Labcorp Genetics (formerly Invitae), Labcorp
Classification: Uncertain significance. Last evaluated: 2022-07-15. Review status: criteria provided, single submitter. Criteria: Invitae Variant Classification Sherloc (09022015). Collection method: clinical testing. Allele origin: germline.
Comment: This variant is present in population databases (rs61757600, gnomAD 0.01%). In summary, the available evidence is currently insufficient to determine the role of this variant in disease. Therefore, it has been classified as a Variant of Uncertain Significance. Algorithms developed to predict the effect of missense changes on protein structure and function (SIFT, PolyPhen-2, Align-GVGD) all suggest that this variant is likely to be tolerated. This variant has not been reported in the literature in individuals affected with DHX37-related conditions. This sequence change replaces isoleucine, which is neutral and non-polar, with methionine, which is neutral and non-polar, at codon 985 of the DHX37 protein (p.Ile985Met).